The following is an entry in ClinVar:

ClinVar aggregate classification (germline): Uncertain significance. Review status: criteria provided, multiple submitters, no conflicts (2 of 4 stars). 2 submissions from 2 submitters: Uncertain significance (2). Last evaluated 2024-02-05.

Conditions:
Cardiovascular phenotype. Identifiers: MedGen CN230736.
Hereditary cancer-predisposing syndrome. Also called: Neoplastic Syndromes, Hereditary; Tumor predisposition; Hereditary Cancer Syndrome; Hereditary neoplastic syndrome. Identifiers: Orphanet 140162, MedGen C0027672, MeSH D009386, MONDO:0015356.
Juvenile myelomonocytic leukemia (JMML). Also called: LEUKEMIA, JUVENILE MYELOMONOCYTIC, SOMATIC. Identifiers: Orphanet 86834, MedGen C0349639, MONDO:0011908, OMIM 607785, HP:0012209.

Submissions (2):

Ambry Genetics
Classification: Uncertain significance for Cardiovascular phenotype; Hereditary cancer-predisposing syndrome. Last evaluated: 2024-02-05. Review status: criteria provided, single submitter. Criteria: Ambry Variant Classification Scheme 2023. Collection method: clinical testing. Allele origin: germline.
Comment: The p.G1481D variant (also known as c.4442G>A), located in coding exon 33 of the NF1 gene, results from a G to A substitution at nucleotide position 4442. The glycine at codon 1481 is replaced by aspartic acid, an amino acid with similar properties. This amino acid position is conserved. In addition, this alteration is predicted to be deleterious by in silico analysis. Based on the available evidence, the clinical significance of this alteration remains unclear.

Baylor Genetics
Classification: Uncertain significance for Juvenile myelomonocytic leukemia. Last evaluated: 2023-10-01. Review status: criteria provided, single submitter. Criteria: ACMG Guidelines, 2015. Collection method: clinical testing. Allele origin: unknown.

NM_001042492.3(NF1):c.4505G>A (p.Gly1502Asp)

Gene: NF1 (neurofibromin 1; plus strand). Cytogenetic location: 17q11.2.
Variant type: single nucleotide variant.
Coding change: c.4505G>A on transcript NM_001042492.3 (MANE Select); coding-DNA position 4505, G replaced by A.
Protein change: p.Gly1502Asp; replaces glycine 1502 with aspartic acid.
Molecular consequence: missense variant.
Genome position (GRCh38, 1-based): chr17:31,260,443, G>A. VCF-style: chr17-31260443-G-A. GRCh37 (hg19) VCF-style: chr17-29587461-G-A.
Other names: c.4442G>A, p.Gly1481Asp (NM_000267.4); short protein forms G1481D, G1502D.
Identifiers: ClinVar variation 2677182 (VCV002677182.2), dbSNP rs2151464691, ClinGen allele CA398999559.